The following is an entry in ClinVar:

ClinVar aggregate classification (germline): Conflicting classifications of pathogenicity. Review status: criteria provided, conflicting classifications (1 of 4 stars). 3 submissions from 2 submitters: Uncertain significance (2); Likely benign (1). Last evaluated 2024-11-04.

Conditions:
Tyrosinemia type III. Also called: Tyrosinemia type 3; 4-alpha hydroxyphenylpyruvic acid oxidase deficiency; 4-alpha hydroxyphenylpyruvate dioxygenase deficiency; 4-Hydroxyphenylpyruvate dioxygenase deficiency; 4-HYDROXYPHENYLPYRUVIC ACID OXIDASE DEFICIENCY. Identifiers: Orphanet 69723, MedGen C0268623, MONDO:0010162, OMIM 276710.
Hawkinsinuria. Identifiers: Orphanet 2118, MedGen C2931042, MONDO:0007700, OMIM 140350, HP:0034457.

Allele frequency attached by ClinVar (database versions not stated): ExAC 0.00002; gnomAD exomes 0.00003 and 0.00007; ESP Exome Variant Server 0.00008; TOPMed 0.00008.
gnomAD v4.1: 118 of 1,614,062 alleles (0.0073%); highest among the groups gnomAD compares: Non-Finnish European, 0.0095%; no homozygotes.

Submissions (3):

GeneDx
Classification: Uncertain significance. Last evaluated: 2024-11-04. Review status: criteria provided, single submitter. Criteria: GeneDx Variant Classification Process June 2021. Collection method: clinical testing. Allele origin: germline. Affected: yes.
Comment: In silico analysis supports that this missense variant has a deleterious effect on protein structure/function; Has not been previously published as pathogenic or benign to our knowledge

Illumina Laboratory Services, Illumina
Classification: Uncertain significance for Tyrosinemia type III. Last evaluated: 2018-01-12. Review status: criteria provided, single submitter. Criteria: ICSL Variant Classification Criteria 13 December 2019. Collection method: clinical testing. Allele origin: germline.

Illumina Laboratory Services, Illumina
Classification: Likely benign for Hawkinsinuria. Last evaluated: 2018-01-12. Review status: criteria provided, single submitter. Criteria: ICSL Variant Classification Criteria 13 December 2019. Collection method: clinical testing. Allele origin: germline.
Comment: This variant was observed in the ICSL laboratory as part of a predisposition screen in an ostensibly healthy population. It had not been previously curated by ICSL or reported in the Human Gene Mutation Database (HGMD: prior to June 1st, 2018), and was therefore a candidate for classification through an automated scoring system. Utilizing variant allele frequency, disease prevalence and penetrance estimates, and inheritance mode, an automated score was calculated to assess if this variant is too frequent to cause the disease. Based on the score and internal cut-off values, a variant classified as likely benign is not then subjected to further curation. The score for this variant resulted in a classification of likely benign for this disease.

NM_002150.3(HPD):c.1108G>A (p.Ala370Thr)

Genes: HPD (4-hydroxyphenylpyruvate dioxygenase; minus strand), TIALD (transcript inducer of AURKA lysosomal degradation; plus strand). Cytogenetic location: 12q24.31.
Variant type: single nucleotide variant.
Coding change: c.1108G>A on transcript NM_002150.3 (MANE Select); coding-DNA position 1108, G replaced by A.
Protein change: p.Ala370Thr; replaces alanine 370 with threonine.
Molecular consequence: missense variant.
Genome position (GRCh38, 1-based): chr12:121,839,802, C>T on the plus strand (G>A on the coding strand, the complement: HPD is on the minus strand). VCF-style: chr12-121839802-C-T. GRCh37 (hg19) VCF-style: chr12-122277708-C-T.
Other names: c.991G>A, p.Ala331Thr (NM_001171993.2); short protein forms A331T, A370T.
Identifiers: ClinVar variation 880987 (VCV000880987.5), dbSNP rs142321451, ClinGen allele CA6839413.